The following is an entry in ClinVar:

ClinVar aggregate classification (germline): Uncertain significance (1 of 4 stars; one submission).

Conditions:
Charcot-Marie-Tooth disease axonal type 2Z. Also called: CHARCOT-MARIE-TOOTH DISEASE, AXONAL, AUTOSOMAL DOMINANT, TYPE 2Z; CHARCOT-MARIE-TOOTH NEUROPATHY, TYPE 2Z. Identifiers: Orphanet 466768, MedGen C5569025, MONDO:0014736, OMIM 616688.

Allele frequency attached by ClinVar (database versions not stated): TOPMed below 0.00001; gnomAD 0.00001.
gnomAD v4.1: 21 of 1,614,008 alleles (0.0013%); highest among the groups gnomAD compares: Non-Finnish European, 0.0018%; no homozygotes.

Submission:

Labcorp Genetics (formerly Invitae), Labcorp
Classification: Uncertain significance for Charcot-Marie-Tooth disease axonal type 2Z. Last evaluated: 2023-10-08. Review status: criteria provided, single submitter. Criteria: Invitae Variant Classification Sherloc (09022015). Collection method: clinical testing. Allele origin: germline.
Comment: This sequence change replaces phenylalanine, which is neutral and non-polar, with leucine, which is neutral and non-polar, at codon 764 of the MORC2 protein (p.Phe764Leu). This variant is present in population databases (no rsID available, gnomAD 0.007%). This variant has not been reported in the literature in individuals affected with MORC2-related conditions. ClinVar contains an entry for this variant (Variation ID: 1010671). Advanced modeling of protein sequence and biophysical properties (such as structural, functional, and spatial information, amino acid conservation, physicochemical variation, residue mobility, and thermodynamic stability) performed at Invitae indicates that this missense variant is not expected to disrupt MORC2 protein function. In summary, the available evidence is currently insufficient to determine the role of this variant in disease. Therefore, it has been classified as a Variant of Uncertain Significance.

NM_001303256.3(MORC2):c.2292T>G (p.Phe764Leu)

Gene: MORC2 (MORC family CW-type zinc finger 2; minus strand). Cytogenetic location: 22q12.2.
Variant type: single nucleotide variant.
Coding change: c.2292T>G on transcript NM_001303256.3 (MANE Select); coding-DNA position 2292, T replaced by G.
Protein change: p.Phe764Leu; replaces phenylalanine 764 with leucine.
Molecular consequence: missense variant.
Genome position (GRCh38, 1-based): chr22:30,934,093, A>C on the plus strand (T>G on the coding strand, the complement: MORC2 is on the minus strand). VCF-style: chr22-30934093-A-C. GRCh37 (hg19) VCF-style: chr22-31330080-A-C.
Other names: c.2292T>G, p.Phe764Leu (NM_001303257.2); c.2106T>G, p.Phe702Leu (NM_014941.3); short protein forms F702L, F764L.
Identifiers: ClinVar variation 1010671 (VCV001010671.9), dbSNP rs1396767941, ClinGen allele CA411234104.